The following is an entry in ClinVar:

ClinVar aggregate classification (germline): Pathogenic (1 of 4 stars; one submission).

Conditions:
Primary ciliary dyskinesia 32. Also called: CILIARY DYSKINESIA, PRIMARY, 32, WITHOUT SITUS INVERSUS. Identifiers: Orphanet 244, MedGen C4225311, MONDO:0014657, OMIM 616481.

Allele frequency attached by ClinVar (database versions not stated): ExAC 0.00002; TOPMed 0.00002.
gnomAD v4.1: 3 of 1,613,742 alleles (0.00019%); highest among the groups gnomAD compares: East Asian, 0.0045%; no homozygotes.

Submission:

Labcorp Genetics (formerly Invitae), Labcorp
Classification: Pathogenic for Primary ciliary dyskinesia 32. Last evaluated: 2025-08-02. Review status: criteria provided, single submitter. Criteria: Invitae Variant Classification Sherloc (09022015). Collection method: clinical testing. Allele origin: germline.
Comment: This sequence change creates a premature translational stop signal (p.Glu52*) in the RSPH3 gene. It is expected to result in an absent or disrupted protein product. Loss-of-function variants in RSPH3 are known to be pathogenic (PMID: 26073779). This variant is present in population databases (rs767979912, gnomAD 0.02%). This variant has not been reported in the literature in individuals affected with RSPH3-related conditions. ClinVar contains an entry for this variant (Variation ID: 2895815). For these reasons, this variant has been classified as Pathogenic.

Literature cited by the submitters: PubMed 26073779.

NM_031924.8(RSPH3):c.-273G>T

Gene: RSPH3 (radial spoke head 3; minus strand). Cytogenetic location: 6q25.3.
Variant type: single nucleotide variant.
Coding change: c.-273G>T on transcript NM_031924.8 (MANE Select); 273 bases upstream of the start codon, G replaced by T.
Molecular consequence: 5 prime UTR variant. On other transcripts: nonsense (1), non-coding transcript variant (1).
Genome position (GRCh38, 1-based): chr6:158,999,823, C>A on the plus strand (G>T on the coding strand, the complement: RSPH3 is on the minus strand). VCF-style: chr6-158999823-C-A. GRCh37 (hg19) VCF-style: chr6-159420855-C-A.
Other names: c.154G>T, p.Glu52Ter (NM_001346418.1); short protein forms E52*.
Identifiers: ClinVar variation 2895815 (VCV002895815.3), dbSNP rs767979912, ClinGen allele CA4076093.
Genomic context (GRCh38, chr6:158,999,823, plus strand): 5'-CAGCTGCGGGGGCCGCATCGGTTGCCCAGCAACCCAGGGTTCTGTCTGGGGGCGGGAACT[C>A]CGGGCAGTTCCGGTCCCCAGGTTTCCCGGGAAGGACTGCGGCACAAGGGACTTCCGGCTC-3'